The following is an entry in ClinVar:

NM_001271838.2(RSRC1):c.429T>C (p.Asp143=)

Gene: RSRC1 (arginine and serine rich coiled-coil 1; plus strand). Cytogenetic location: 3q25.32.
Variant type: single nucleotide variant.
Coding change: c.429T>C on transcript NM_001271838.2 (MANE Select); coding-DNA position 429, T replaced by C.
Protein change: p.Asp143=; no amino-acid change (aspartic acid 143 retained).
Molecular consequence: synonymous variant. On other transcripts: intron variant (1).
Genome position (GRCh38, 1-based): chr3:158,203,180, T>C. VCF-style: chr3-158203180-T-C. GRCh37 (hg19) VCF-style: chr3-157920969-T-C.
Other names: c.429T>C, p.Asp143= (NM_016625.4); c.320+79189T>C (NM_001271834.2).
Identifiers: ClinVar variation 4084725 (VCV004084725.8).
Genomic context (GRCh38, chr3:158,203,180, plus strand): 5'-GTCCAGTCACAGAAGAACGCGTAGTCGGTCTCGGGATAGAGAACGACGTAAGGGCAGAGA[T>C]AAAGAGAAAAGAGAAAAGGAGAAGGATAAAGGGAAGGACAAGGAATTACATAACATCAAA-3'
Protein context (NP_001258767.1, residues 133-153): SRDRERRKGR[Asp143=]KEKREKEKDK

ClinVar aggregate classification (germline): Likely benign (1 of 4 stars; one submission).

gnomAD v4.1: 23 of 1,612,702 alleles (0.0014%); highest among the groups gnomAD compares: Non-Finnish European, 0.002%; no homozygotes.

Submission:

CeGaT Center for Human Genetics Tuebingen
Classification: Likely benign. Last evaluated: 2025-08-01. Review status: criteria provided, single submitter. Criteria: CeGaT Center For Human Genetics Tuebingen Variant Classification Criteria Version 2. Collection method: clinical testing. Allele origin: germline. Affected: yes. Observed: 1 variant allele.
Comment: RSRC1: BP4, BP7